The following is an entry in ClinVar:

ClinVar aggregate classification (germline): Uncertain significance. Review status: criteria provided, multiple submitters, no conflicts (2 of 4 stars). 3 submissions from 3 submitters: Uncertain significance (3). Last evaluated 2024-05-21.

Conditions:
Congenital contractural arachnodactyly (CCA). Also called: BEALS SYNDROME; Arthrogryposis, distal, type 9; Beals-Hecht syndrome. Identifiers: Orphanet 115, MedGen C0220668, MONDO:0007363, OMIM 121050.
Familial thoracic aortic aneurysm and aortic dissection (TAAD). Also called: Thoracic aortic aneurysms and dissections. Identifiers: Orphanet 91387, MedGen C4707243, MONDO:0019625.

Allele frequency attached by ClinVar (database versions not stated): gnomAD exomes below 0.00001; ExAC 0.00001; gnomAD 0.00001 and 0.00002; TOPMed 0.00001; 1000 Genomes Project 0.00020; 1000 Genomes Project 30x 0.00031.
gnomAD v4.1: 5 of 1,613,602 alleles (0.00031%); highest among the groups gnomAD compares: African/African-American, 0.0067%; no homozygotes.

Submissions (3):

GeneDx
Classification: Uncertain significance. Last evaluated: 2024-05-21. Review status: criteria provided, single submitter. Criteria: GeneDx Variant Classification Process June 2021. Collection method: clinical testing. Allele origin: germline. Affected: yes.
Comment: Not observed at significant frequency in large population cohorts (gnomAD); In silico analysis supports that this missense variant has a deleterious effect on protein structure/function; Has not been previously published as pathogenic or benign to our knowledge

Labcorp Genetics (formerly Invitae), Labcorp
Classification: Uncertain significance for Congenital contractural arachnodactyly. Last evaluated: 2024-02-24. Review status: criteria provided, single submitter. Criteria: Invitae Variant Classification Sherloc (09022015). Collection method: clinical testing. Allele origin: germline.
Comment: This sequence change replaces glycine, which is neutral and non-polar, with aspartic acid, which is acidic and polar, at codon 2025 of the FBN2 protein (p.Gly2025Asp). This variant is not present in population databases (gnomAD no frequency). This variant has not been reported in the literature in individuals affected with FBN2-related conditions. ClinVar contains an entry for this variant (Variation ID: 966498). Advanced modeling of protein sequence and biophysical properties (such as structural, functional, and spatial information, amino acid conservation, physicochemical variation, residue mobility, and thermodynamic stability) performed at Invitae indicates that this missense variant is not expected to disrupt FBN2 protein function with a negative predictive value of 80%. In summary, the available evidence is currently insufficient to determine the role of this variant in disease. Therefore, it has been classified as a Variant of Uncertain Significance.

Ambry Genetics
Classification: Uncertain significance for Familial thoracic aortic aneurysm and aortic dissection. Last evaluated: 2019-10-03. Review status: criteria provided, single submitter. Criteria: Ambry Variant Classification Scheme 2023. Collection method: clinical testing. Allele origin: germline.
Comment: The p.G2025D variant (also known as c.6074G>A), located in coding exon 48 of the FBN2 gene, results from a G to A substitution at nucleotide position 6074. The glycine at codon 2025 is replaced by aspartic acid, an amino acid with similar properties, and is located in the cbEGF-like #31 domain. This amino acid position is highly conserved in available vertebrate species. In addition, this alteration is predicted to be deleterious by in silico analysis. Since supporting evidence is limited at this time, the clinical significance of this alteration remains unclear.

NM_001999.4(FBN2):c.6074G>A (p.Gly2025Asp)

Gene: FBN2 (fibrillin 2; minus strand). Cytogenetic location: 5q23.3.
Variant type: single nucleotide variant.
Coding change: c.6074G>A on transcript NM_001999.4 (MANE Select); coding-DNA position 6074, G replaced by A.
Protein change: p.Gly2025Asp; replaces glycine 2025 with aspartic acid.
Molecular consequence: missense variant.
Genome position (GRCh38, 1-based): chr5:128,300,909, C>T on the plus strand (G>A on the coding strand, the complement: FBN2 is on the minus strand). VCF-style: chr5-128300909-C-T. GRCh37 (hg19) VCF-style: chr5-127636601-C-T.
Other names: short protein forms G2025D.
Identifiers: ClinVar variation 966498 (VCV000966498.13), dbSNP rs547583705, ClinGen allele CA3394503.